The following is an entry in ClinVar:

ClinVar aggregate classification (germline): Benign/Likely benign. Review status: criteria provided, multiple submitters, no conflicts (2 of 4 stars). 4 submissions from 4 submitters: Benign (1); Likely benign (2). 1 of the submissions does not count toward it. Last evaluated 2025-12-15.

Conditions:
TRRAP-related disorder. Also called: TRRAP-related condition.

Allele frequency attached by ClinVar (database versions not stated): TOPMed 0.00018; 1000 Genomes Project 30x 0.00031; ESP Exome Variant Server 0.00031; 1000 Genomes Project 0.00040; gnomAD exomes 0.00053 and 0.00095; gnomAD 0.00060 and 0.00062; ExAC 0.00080.
gnomAD v4.1: 858 of 1,612,328 alleles (0.053%); highest among the groups gnomAD compares: South Asian, 0.2%; 6 homozygotes.

Submissions (4):

Labcorp Genetics (formerly Invitae), Labcorp
Classification: Benign. Last evaluated: 2025-12-15. Review status: criteria provided, single submitter. Criteria: Invitae Variant Classification Sherloc (09022015). Collection method: clinical testing. Allele origin: germline.

Blueprint Genetics
Classification: Likely benign. Last evaluated: 2024-10-23. Review status: criteria provided, single submitter. Criteria: ACMG Guidelines, 2015. Collection method: clinical testing. Allele origin: germline.

CeGaT Center for Human Genetics Tuebingen
Classification: Likely benign. Last evaluated: 2024-03-01. Review status: criteria provided, single submitter. Criteria: CeGaT Center For Human Genetics Tuebingen Variant Classification Criteria Version 2. Collection method: clinical testing. Allele origin: germline. Affected: yes. Observed: 3 variant alleles.
Comment: TRRAP: BP4, BS1

PreventionGenetics, part of Exact Sciences
Classification: Benign for TRRAP-related condition. Last evaluated: 2020-01-24. Review status: no assertion criteria provided. Collection method: clinical testing. Allele origin: germline. Not counted in ClinVar's aggregate classification.
Comment: This variant is classified as benign based on ACMG/AMP sequence variant interpretation guidelines (Richards et al. 2015 PMID: 25741868, with internal and published modifications).

NM_001375524.1(TRRAP):c.1115+6A>C

Gene: TRRAP (transformation/transcription domain associated protein; plus strand). Cytogenetic location: 7q22.1.
Variant type: single nucleotide variant.
Coding change: c.1115+6A>C on transcript NM_001375524.1 (MANE Select); 6 bases into the intron after coding-DNA position 1115, A replaced by C.
Molecular consequence: intron variant.
Genome position (GRCh38, 1-based): chr7:98,906,261, A>C. VCF-style: chr7-98906261-A-C. GRCh37 (hg19) VCF-style: chr7-98503884-A-C.
Other names: c.1115+6A>C (NM_003496.3, NM_001244580.2, NM_003496.4).
Identifiers: ClinVar variation 1600310 (VCV001600310.34), dbSNP rs202033080, ClinGen allele CA4359437.